The following is an entry in ClinVar:

NM_000371.4(TTR):c.310A>C (p.Ile104Leu)

Gene: TTR (transthyretin; plus strand). Cytogenetic location: 18q12.1.
Variant type: single nucleotide variant.
Coding change: c.310A>C on transcript NM_000371.4 (MANE Select); coding-DNA position 310, A replaced by C.
Protein change: p.Ile104Leu; replaces isoleucine 104 with leucine.
Molecular consequence: missense variant.
Genome position (GRCh38, 1-based): chr18:31,595,229, A>C. VCF-style: chr18-31595229-A-C. GRCh37 (hg19) VCF-style: chr18-29175192-A-C.
Other names: short protein forms I104L.
Identifiers: ClinVar variation 808384 (VCV000808384.45), dbSNP rs781345808, ClinGen allele CA8928448.

ClinVar aggregate classification (germline): Conflicting classifications of pathogenicity. Review status: criteria provided, conflicting classifications (1 of 4 stars). 2 submissions from 2 submitters: Likely pathogenic (1); Uncertain significance (1). Last evaluated 2019-04-01.

Conditions:
Tip-toe gait. Also called: Toe walking. Identifiers: MedGen C0427144, HP:0030051.

Allele frequency attached by ClinVar (database versions not stated): gnomAD exomes below 0.00001; ExAC 0.00001.
gnomAD v4.1: 1 of 1,614,188 alleles (0.000062%); highest among the groups gnomAD compares: Non-Finnish European, 0.000085%; no homozygotes.

Submissions (2):

CeGaT Center for Human Genetics Tuebingen
Classification: Uncertain significance. Last evaluated: 2019-04-01. Review status: criteria provided, single submitter. Criteria: CeGaT Center For Human Genetics Tuebingen Variant Classification Criteria Version 2. Collection method: clinical testing. Allele origin: germline. Affected: yes. Observed: 2 variant alleles.

Practice for Gait Abnormalities, David Pomarino, Competency Network Toe Walking C/o Practice Pomarino
Classification: Likely pathogenic for Tip-toe gait. Review status: criteria provided, single submitter. Criteria: ACMG Guidelines, 2015. Collection method: clinical testing. Allele origin: unknown. Affected: yes.
Comment: Hereditary motor sensory neuropathy (HMSN), also known as Charcot-Marie-Tooth Disease (CMT), is the most commonly inherited peripheral polyneuropathy. It constitutes a group of inherited, progressive, motor and sensory peripheral nerve disorders with properties of demyelination, axonal degeneration, or both. It is classified by clinical characteristics, modes of inheritance, electrophysiologic features, metabolic defects, and specific gene markers. Our patients all walk on tiptoe, so they show similar symptoms. When we genetically test them with our toe walking panel, we find that around 90 per cent of them have a genetic variant that explains their toe walking. These can be assigned, for example, to the area of myopathies (such as variants of the COL6A3 gene), the area of hereditary neuropathies (such as variants of the KMT2C gene) or the area of metabolic diseases (such as variants of the PYGM gene). In a smaller group of patients with almost identical symptoms, no abnormality is found in the genes of our panel, but spastic paraplegia can be detected. In another small group of our toe walkers, no abnormalities can be detected in the genes analysed in our toe walking panel, nor do they suffer from spastic paraplegia, as is also the case with healthy children. In contrast to these, however, they show a tiptoe gait. These patients suffer from infantile cerebral palsy, in which toe walking can also be observed.

Literature cited by the submitters: PubMed 37091313 (cited by Practice for Gait Abnormalities, David Pomarino, Competency Network Toe Walking C/o Practice Pomarino).